The following is an entry in ClinVar:

ClinVar aggregate classification (germline): Likely benign. Review status: criteria provided, multiple submitters, no conflicts (2 of 4 stars). 3 submissions from 3 submitters: Likely benign (3). Last evaluated 2024-02-05.

Conditions:
Familial thoracic aortic aneurysm and aortic dissection (TAAD). Also called: Thoracic aortic aneurysms and dissections. Identifiers: Orphanet 91387, MedGen C4707243, MONDO:0019625.
Ehlers-Danlos syndrome, type 4 (EDSVASC). Also called: Ehlers-Danlos Syndrome Type IV; Ehlers-Danlos syndrome vascular type; Ehlers Danlos syndrome, ecchymotic type; Ehlers Danlos syndrome, arterial type; Ehlers Danlos syndrome, Sack-Barabas type. Identifiers: Orphanet 286, MedGen C0268338, MONDO:0017314, OMIM 130050.

Submissions (3):

All of Us Research Program, National Institutes of Health
Classification: Likely benign for Ehlers-Danlos syndrome, type 4. Last evaluated: 2024-02-05. Review status: criteria provided, single submitter. Criteria: ACMG Guidelines, 2015. Collection method: clinical testing. Allele origin: germline. Inheritance: Autosomal dominant inheritance. Observed: 1 variant allele, 1 heterozygote.
Comment: This study involves interpretation of variants in research participants for the purpose of population health screening. Participant phenotype was not available at the time of variant classification. Additional details can be found in publication PMID: 35346344, PMCID: PMC8962531

Color Diagnostics, LLC DBA Color Health
Classification: Likely benign for Familial thoracic aortic aneurysm and aortic dissection. Last evaluated: 2024-01-26. Review status: criteria provided, single submitter. Criteria: ACMG Guidelines, 2015. Collection method: clinical testing. Allele origin: germline.

Labcorp Genetics (formerly Invitae), Labcorp
Classification: Likely benign for Ehlers-Danlos syndrome, type 4. Last evaluated: 2023-03-26. Review status: criteria provided, single submitter. Criteria: Invitae Variant Classification Sherloc (09022015). Collection method: clinical testing. Allele origin: germline.

NM_000090.4(COL3A1):c.3202-15A>G

Gene: COL3A1 (collagen type III alpha 1 chain; plus strand). Cytogenetic location: 2q32.2.
Variant type: single nucleotide variant.
Coding change: c.3202-15A>G on transcript NM_000090.4 (MANE Select); 15 bases into the intron before coding-DNA position 3202, A replaced by G.
Molecular consequence: intron variant.
Genome position (GRCh38, 1-based): chr2:189,006,922, A>G. VCF-style: chr2-189006922-A-G. GRCh37 (hg19) VCF-style: chr2-189871648-A-G.
Identifiers: ClinVar variation 2730107 (VCV002730107.5), dbSNP rs1688597467, ClinGen allele CA1315404331.